The following is an entry in ClinVar:

ClinVar aggregate classification (germline): Benign (1 of 4 stars; one submission).

Conditions:
Dystonia 16 (DYT16). Also called: DYT-PRKRA. Identifiers: Orphanet 210571, MedGen C2677567, MONDO:0012789, OMIM 612067.

Submission:

Centre for Mendelian Genomics, University Medical Centre Ljubljana
Classification: Benign for Dystonia 16. Last evaluated: 2018-10-29. Review status: criteria provided, single submitter. Criteria: ACMG Guidelines, 2015. Collection method: clinical testing. Allele origin: unknown. Affected: yes.
Comment: This variant was classified as: Benign. The following ACMG criteria were applied in classifying this variant: BS1,BS2,A.

NM_003690.5(PRKRA):c.66-4_66-3insTCCCAGAGCAGGCACCGCCGAGGCCCTGCCGCTGGAGCGCGAGGACAGTGGGACCTT

Gene: PRKRA (protein activator of interferon induced protein kinase EIF2AK2; minus strand). Cytogenetic location: 2q31.2.
Variant type: Insertion.
Coding change: c.66-4_66-3insTCCCAGAGCAGGCACCGCCGAGGCCCTGCCGCTGGAGCGCGAGGACAGTGGGACCTT on transcript NM_003690.5 (MANE Select); 4 bases into the intron before coding-DNA position 66 through 3 bases into the intron before coding-DNA position 66, TCCCAGAGCAGGCACCGCCGAGGCCCTGCCGCTGGAGCGCGAGGACAGTGGGACCTT inserted.
Molecular consequence: intron variant. On other transcripts: inframe indel (1).
Genome position: GRCh38: chr2:178,450,414-178,450,415. GRCh37 (hg19): chr2:179,315,141-179,315,142.
Other names: c.29_30insTCCCAGAGCAGGCACCGCCGAGGCCCTGCCGCTGGAGCGCGAGGACAGTGGGACCTT, p.Cys10_Ser11insProArgAlaGlyThrAlaGluAlaLeuProLeuGluArgGluAspSerGlyThrPhe (NM_001139517.2); c.-384-4_-384-3insTCCCAGAGCAGGCACCGCCGAGGCCCTGCCGCTGGAGCGCGAGGACAGTGGGACCTT (NM_001316362.2); c.-10-4_-10-3insTCCCAGAGCAGGCACCGCCGAGGCCCTGCCGCTGGAGCGCGAGGACAGTGGGACCTT (NM_001139518.1).
Identifiers: ClinVar variation 931221 (VCV000931221.3), dbSNP rs1553599483, ClinGen allele CA1039707282.